The following is an entry in ClinVar:

ClinVar aggregate classification (germline): Pathogenic (1 of 4 stars; one submission).

Conditions:
Monogenic hearing loss.

Submission:

Genetics Laboratory, Great Ormond Street Hospital NHS Foundation Trust, North Thames Genomic Laboratory Hub
Classification: Pathogenic for Monogenic hearing loss. Last evaluated: 2025-12-29. Review status: criteria provided, single submitter. Criteria: ACGS Best Practice Guidelines for Variant Classification in Rare Disease 2024 v1.2. Collection method: clinical testing. Allele origin: germline. Affected: yes.
Comment: PM2_moderate, PVS1_very-strong, PM3_supporting

NM_001851.6(COL9A1):c.2068_2069del (p.Arg690fs)

Gene: COL9A1 (collagen type IX alpha 1 chain; minus strand). Cytogenetic location: 6q13.
Variant type: Deletion.
Coding change: c.2068_2069del on transcript NM_001851.6 (MANE Select); coding-DNA positions 2068 to 2069, 2 bases deleted (AG; older notation c.2068_2069delAG).
Protein change: p.Arg690fs; shifts the reading frame from arginine 690.
Molecular consequence: frameshift variant. On other transcripts: non-coding transcript variant (1).
Genome position (GRCh38, 1-based): chr6:70,240,699-70,240,700, CT deleted on the plus strand (AG on the coding strand, the reverse complement: COL9A1 is on the minus strand). VCF-style (leftmost placement, unchanged base first): chr6-70240698-CCT-C. GRCh37 (hg19) VCF-style: chr6-70950401-CCT-C.
Other names: c.1369_1370del, p.Arg457fs (NM_001377289.1); c.1339_1340del, p.Arg447fs (NM_001377290.1, NM_078485.4); short protein forms R447fs, R457fs, R690fs.
Identifiers: ClinVar variation 4796735 (VCV004796735.1).